The following is an entry in ClinVar:

ClinVar aggregate classification (germline): Uncertain significance (1 of 4 stars; one submission).

Conditions:
Immunodeficiency. Identifiers: MedGen C0021051, MONDO:0021094, HP:0002721.

Allele frequency attached by ClinVar (database versions not stated): gnomAD exomes below 0.00001.
gnomAD v4.1: 2 of 1,614,208 alleles (0.00012%); highest among the groups gnomAD compares: Non-Finnish European, 0.00017%; no homozygotes.

Submission:

Labcorp Genetics (formerly Invitae), Labcorp
Classification: Uncertain significance for Immunodeficiency. Last evaluated: 2024-10-29. Review status: criteria provided, single submitter. Criteria: Invitae Variant Classification Sherloc (09022015). Collection method: clinical testing. Allele origin: germline.
Comment: This sequence change replaces alanine, which is neutral and non-polar, with threonine, which is neutral and polar, at codon 844 of the NFAT5 protein (p.Ala844Thr). This variant is present in population databases (no rsID available, gnomAD 0.0009%). This variant has not been reported in the literature in individuals affected with NFAT5-related conditions. ClinVar contains an entry for this variant (Variation ID: 2088068). An algorithm developed to predict the effect of missense changes on protein structure and function (PolyPhen-2) suggests that this variant is likely to be tolerated. In summary, the available evidence is currently insufficient to determine the role of this variant in disease. Therefore, it has been classified as a Variant of Uncertain Significance.

NM_138713.4(NFAT5):c.2812G>A (p.Ala938Thr)

Gene: NFAT5 (nuclear factor of activated T cells 5; plus strand). Cytogenetic location: 16q22.1.
Variant type: single nucleotide variant.
Coding change: c.2812G>A on transcript NM_138713.4 (MANE Select); coding-DNA position 2812, G replaced by A.
Protein change: p.Ala938Thr; replaces alanine 938 with threonine.
Molecular consequence: missense variant.
Genome position (GRCh38, 1-based): chr16:69,692,637, G>A. VCF-style: chr16-69692637-G-A. GRCh37 (hg19) VCF-style: chr16-69726540-G-A.
Other names: c.2809G>A, p.Ala937Thr (NM_001113178.3); c.2137G>A, p.Ala713Thr (NM_001367709.1); c.2758G>A, p.Ala920Thr (NM_006599.4); c.2530G>A, p.Ala844Thr (NM_138714.4, NM_173214.3, NM_173215.3); short protein forms A844T, A920T, A938T, A713T, A937T.
Identifiers: ClinVar variation 2088068 (VCV002088068.4), dbSNP rs1309106639, ClinGen allele CA396511020.